The following is an entry in ClinVar:

NM_004628.5(XPC):c.105T>A (p.Asp35Glu)

Gene: XPC (XPC complex subunit, DNA damage recognition and repair factor; minus strand). Cytogenetic location: 3p25.1.
Variant type: single nucleotide variant.
Coding change: c.105T>A on transcript NM_004628.5 (MANE Select); coding-DNA position 105, T replaced by A.
Protein change: p.Asp35Glu; replaces aspartic acid 35 with glutamic acid.
Molecular consequence: missense variant. On other transcripts: 5 prime UTR variant (1), non-coding transcript variant (2).
Genome position (GRCh38, 1-based): chr3:14,173,061, A>T on the plus strand (T>A on the coding strand, the complement: XPC is on the minus strand). VCF-style: chr3-14173061-A-T. GRCh37 (hg19) VCF-style: chr3-14214561-A-T.
Other names: c.-351T>A (NM_001354726.2); c.105T>A, p.Asp35Glu (NM_001354727.2, NM_001354730.2); c.87T>A, p.His29Gln (NM_001354729.2); short protein forms D35E, H29Q.
Identifiers: ClinVar variation 899822 (VCV000899822.12), dbSNP rs202128104, ClinGen allele CA2267795.

ClinVar aggregate classification (germline): Likely benign. Review status: criteria provided, multiple submitters, no conflicts (2 of 4 stars). 2 submissions from 2 submitters: Likely benign (2). Last evaluated 2026-01-13.

Conditions:
Xeroderma pigmentosum, group C (XPC). Also called: Xeroderma pigmentosum, complementation group C; XERODERMA PIGMENTOSUM III; XP, GROUP C; XPC-Related Xeroderma Pigmentosum. Identifiers: Orphanet 910, MedGen C2752147, MONDO:0010211, OMIM 278720.

Allele frequency attached by ClinVar (database versions not stated): gnomAD 0.00001 and 0.00005; TOPMed 0.00003; gnomAD exomes 0.00007 and 0.00016; 1000 Genomes Project 30x 0.00031; ExAC 0.00039; 1000 Genomes Project 0.00040.
gnomAD v4.1: 112 of 1,571,444 alleles (0.0071%); highest among the groups gnomAD compares: East Asian, 0.25%; 1 homozygote.

Submissions (2):

Labcorp Genetics (formerly Invitae), Labcorp
Classification: Likely benign. Last evaluated: 2026-01-13. Review status: criteria provided, single submitter. Criteria: Invitae Variant Classification Sherloc (09022015). Collection method: clinical testing. Allele origin: germline.

Illumina Laboratory Services, Illumina
Classification: Likely benign for Xeroderma pigmentosum, group C. Last evaluated: 2018-01-12. Review status: criteria provided, single submitter. Criteria: ICSL Variant Classification Criteria 13 December 2019. Collection method: clinical testing. Allele origin: germline.
Comment: This variant was observed in the ICSL laboratory as part of a predisposition screen in an ostensibly healthy population. It had not been previously curated by ICSL or reported in the Human Gene Mutation Database (HGMD: prior to June 1st, 2018), and was therefore a candidate for classification through an automated scoring system. Utilizing variant allele frequency, disease prevalence and penetrance estimates, and inheritance mode, an automated score was calculated to assess if this variant is too frequent to cause the disease. Based on the score and internal cut-off values, a variant classified as likely benign is not then subjected to further curation. The score for this variant resulted in a classification of likely benign for this disease.